The following is an entry in ClinVar:

NM_000553.6(WRN):c.3459+6G>A

Gene: WRN (WRN RecQ like helicase; plus strand). Cytogenetic location: 8p12.
Variant type: single nucleotide variant.
Coding change: c.3459+6G>A on transcript NM_000553.6 (MANE Select); 6 bases into the intron after coding-DNA position 3459, G replaced by A.
Molecular consequence: intron variant.
Genome position (GRCh38, 1-based): chr8:31,147,134, G>A. VCF-style: chr8-31147134-G-A. GRCh37 (hg19) VCF-style: chr8-31004650-G-A.
Identifiers: ClinVar variation 946862 (VCV000946862.6), dbSNP rs781501590, ClinGen allele CA1139660435.
Genomic context (GRCh38, chr8:31,147,134, plus strand): 5'-AAAAGCTTACAGTTCCTCACAGCCTGTTATTTCGGCACAAGAGCAGGAGACTCAGGTAAG[G>A]CTTTTGTAAAAAGGTAATTAGTTTATGATAGGATAGTTATGATTCTATGTATGCTTAAAA-3'

ClinVar aggregate classification (germline): Uncertain significance (1 of 4 stars; one submission).

Conditions:
Werner syndrome (WRN). Identifiers: Orphanet 902, MedGen C0043119, MONDO:0010196, OMIM 277700.

gnomAD v4.1: 1 of 1,613,468 alleles (0.000062%); highest among the groups gnomAD compares: Non-Finnish European, 0.000085%; no homozygotes.

Submission:

Labcorp Genetics (formerly Invitae), Labcorp
Classification: Uncertain significance for Werner syndrome. Last evaluated: 2020-02-10. Review status: criteria provided, single submitter. Criteria: Invitae Variant Classification Sherloc (09022015). Collection method: clinical testing. Allele origin: germline.
Comment: Nucleotide substitutions within the consensus splice site are a relatively common cause of aberrant splicing (PMID: 17576681, 9536098). Algorithms developed to predict the effect of sequence changes on RNA splicing suggest that this variant is not likely to affect RNA splicing, but this prediction has not been confirmed by published transcriptional studies. In summary, the available evidence is currently insufficient to determine the role of this variant in disease. Therefore, it has been classified as a Variant of Uncertain Significance. This variant has not been reported in the literature in individuals with WRN-related conditions. This variant is not present in population databases (ExAC no frequency). This sequence change falls in intron 29 of the WRN gene. It does not directly change the encoded amino acid sequence of the WRN protein, but it affects a nucleotide within the consensus splice site of the intron.

Literature cited by the submitters: PubMed 17576681; PubMed 9536098.